The following is an entry in ClinVar:

NM_004369.4(COL6A3):c.5657G>A (p.Arg1886His)

Gene: COL6A3 (collagen type VI alpha 3 chain; minus strand). Cytogenetic location: 2q37.3.
Variant type: single nucleotide variant.
Coding change: c.5657G>A on transcript NM_004369.4 (MANE Select); coding-DNA position 5657, G replaced by A.
Protein change: p.Arg1886His; replaces arginine 1886 with histidine.
Molecular consequence: missense variant.
Genome position (GRCh38, 1-based): chr2:237,365,879, C>T on the plus strand (G>A on the coding strand, the complement: COL6A3 is on the minus strand). VCF-style: chr2-237365879-C-T. GRCh37 (hg19) VCF-style: chr2-238274522-C-T.
Other names: c.3836G>A, p.Arg1279His (NM_057166.5); c.5039G>A, p.Arg1680His (NM_057167.4); short protein forms R1886H, R1279H, R1680H.
Identifiers: ClinVar variation 476536 (VCV000476536.23), dbSNP rs368379003, ClinGen allele CA2188612.
Genomic context (GRCh38, chr2:237,365,879, plus strand): 5'-TACTCGTCAAAGTCAAAGGCCTCCACCGGGCCCGAGGGCGTGTTGGCCACCACTGACACA[C>T]GCACGGTGGGCGAGCGGCCACCGCTGCAGCTGACCCTGTGCATCTGGCTGATTCTGTTCA-3'
Protein context (NP_004360.2, residues 1876-1896): SCSGGRSPTV[Arg1886His]VSVVANTPSG

ClinVar aggregate classification (germline): Conflicting classifications of pathogenicity. Review status: criteria provided, conflicting classifications (1 of 4 stars). 5 submissions from 5 submitters: Uncertain significance (4); Likely benign (1). Last evaluated 2026-03-01.

Conditions:
Inborn genetic diseases. Identifiers: MedGen C0950123, MeSH D030342.
Bethlem myopathy 1A. Also called: MYOPATHY, BENIGN CONGENITAL, WITH CONTRACTURES; Bethlem myopathy 1; Bethlem Muscular Dystrophy. Identifiers: Orphanet 610, MedGen CN029274, MONDO:0024530, OMIM 158810.
COL6A3-related disorder. Also called: COL6A3-related condition; COL6A3-related disorders.

Allele frequency attached by ClinVar (database versions not stated): TOPMed 0.00005; ExAC 0.00008; ESP Exome Variant Server 0.00008; gnomAD 0.00009; gnomAD exomes 0.00009.
gnomAD v4.1: 168 of 1,614,170 alleles (0.01%); highest among the groups gnomAD compares: Middle Eastern, 0.016%; no homozygotes.

Submissions (5):

CeGaT Center for Human Genetics Tuebingen
Classification: Uncertain significance. Last evaluated: 2026-03-01. Review status: criteria provided, single submitter. Criteria: CeGaT Center For Human Genetics Tuebingen Variant Classification Criteria Version 2. Collection method: clinical testing. Allele origin: germline. Affected: yes. Observed: 1 variant allele.
Comment: COL6A3: PM2, BP4

Ambry Genetics
Classification: Uncertain significance for Inborn genetic diseases. Last evaluated: 2025-11-08. Review status: criteria provided, single submitter. Criteria: Ambry Variant Classification Scheme 2023. Collection method: clinical testing. Allele origin: germline.

Labcorp Genetics (formerly Invitae), Labcorp
Classification: Likely benign for Bethlem myopathy 1A. Last evaluated: 2025-09-16. Review status: criteria provided, single submitter. Criteria: Invitae Variant Classification Sherloc (09022015). Collection method: clinical testing. Allele origin: germline.

Revvity Omics, Revvity
Classification: Uncertain significance. Last evaluated: 2025-02-04. Review status: criteria provided, single submitter. Criteria: ACMG Guidelines, 2015. Collection method: clinical testing. Allele origin: germline.

PreventionGenetics, part of Exact Sciences
Classification: Uncertain significance for COL6A3-related condition. Last evaluated: 2024-11-25. Review status: criteria provided, single submitter. Criteria: ACMG Guidelines, 2015. Collection method: clinical testing. Allele origin: germline.
Comment: The COL6A3 c.5657G>A variant is predicted to result in the amino acid substitution p.Arg1886His. To our knowledge, this variant has not been reported in the literature. This variant is reported in 0.024% of alleles in individuals of European (Finnish) descent in gnomAD. At this time, the clinical significance of this variant is uncertain due to the absence of conclusive functional and genetic evidence.